The following is an entry in ClinVar:

NM_000455.5(STK11):c.920+9C>G

Gene: STK11 (serine/threonine kinase 11; plus strand). Cytogenetic location: 19p13.3.
Variant type: single nucleotide variant.
Coding change: c.920+9C>G on transcript NM_000455.5 (MANE Select); 9 bases into the intron after coding-DNA position 920, C replaced by G.
Molecular consequence: intron variant.
Genome position (GRCh38, 1-based): chr19:1,222,015, C>G. VCF-style: chr19-1222015-C-G. GRCh37 (hg19) VCF-style: chr19-1222014-C-G.
Identifiers: ClinVar variation 1583479 (VCV001583479.9), dbSNP rs757109406, ClinGen allele CA2573155774.

ClinVar aggregate classification (germline): Likely benign. Review status: criteria provided, multiple submitters, no conflicts (2 of 4 stars). 2 submissions from 2 submitters: Likely benign (2). Last evaluated 2025-03-28.

Conditions:
Peutz-Jeghers syndrome (PJS). Also called: Peutz-Jeghers polyposis; Periorificial lentiginosis syndrome; POLYPOSIS, HAMARTOMATOUS INTESTINAL; POLYPS-AND-SPOTS SYNDROME. Identifiers: Orphanet 2869, MedGen C0031269, MeSH D010580, MONDO:0008280, OMIM 175200.

gnomAD v4.1: 1 of 1,565,034 alleles (0.000064%); highest among the groups gnomAD compares: Non-Finnish European, 0.000087%; no homozygotes.

Submissions (2):

Myriad Genetics, Inc.
Classification: Likely benign for Peutz-Jeghers syndrome. Last evaluated: 2025-03-28. Review status: criteria provided, single submitter. Criteria: Myriad Autosomal Dominant, Autosomal Recessive and X-Linked Classification Criteria (2023). Collection method: clinical testing. Allele origin: unknown.
Comment: This variant is considered likely benign. This variant is intronic and is not expected to impact mRNA splicing.

Labcorp Genetics (formerly Invitae), Labcorp
Classification: Likely benign for Peutz-Jeghers syndrome. Last evaluated: 2021-11-25. Review status: criteria provided, single submitter. Criteria: Invitae Variant Classification Sherloc (09022015). Collection method: clinical testing. Allele origin: germline.